The following is an entry in ClinVar:

NM_022436.3(ABCG5):c.1189G>A (p.Gly397Ser)

Genes: ABCG5 (ATP binding cassette subfamily G member 5; minus strand), DYNC2LI1 (dynein cytoplasmic 2 light intermediate chain 1; plus strand). Cytogenetic location: 2p21.
Variant type: single nucleotide variant.
Coding change: c.1189G>A on transcript NM_022436.3 (MANE Select); coding-DNA position 1189, G replaced by A.
Protein change: p.Gly397Ser; replaces glycine 397 with serine.
Molecular consequence: missense variant. On other transcripts: intron variant (2).
Genome position (GRCh38, 1-based): chr2:43,824,048, C>T on the plus strand (G>A on the coding strand, the complement: ABCG5 is on the minus strand). VCF-style: chr2-43824048-C-T. GRCh37 (hg19) VCF-style: chr2-44051187-C-T.
Other names: c.*16-3338C>T (NM_001348913.2, NM_001348912.2); short protein forms G397S.
Identifiers: ClinVar variation 4993437 (VCV004993437.1).

ClinVar aggregate classification (germline): Uncertain significance (1 of 4 stars; one submission).

Conditions:
ABCG5-related disorder. Also called: ABCG5-related condition.

gnomAD v4.1: 87 of 1,614,090 alleles (0.0054%); highest among the groups gnomAD compares: Non-Finnish European, 0.0069%; no homozygotes.

Submission:

PreventionGenetics, part of Exact Sciences
Classification: Uncertain significance for ABCG5-related condition. Last evaluated: 2026-08-14. Review status: criteria provided, single submitter. Criteria: ACMG Guidelines, 2015. Collection method: clinical testing. Allele origin: germline.
Comment: The ABCG5 c.1189G>A variant is predicted to result in the amino acid substitution p.Gly397Ser. This variant was reported as an uncertain variant in a cohort of individuals with dyslipidemia and metabolic disorders (Dron et al. 2020. PubMed ID: 32041611). Detailed clinical information was not available. This variant is reported in 0.0053% of alleles in individuals of European (Non-Finnish) descent in gnomAD. At this time, the clinical significance of this variant is uncertain due to the absence of conclusive functional and genetic evidence.